The following is an entry in ClinVar:

NM_000231.3(SGCG):c.434A>G (p.Asn145Ser)

Gene: SGCG (sarcoglycan gamma; plus strand). Cytogenetic location: 13q12.12.
Variant type: single nucleotide variant.
Coding change: c.434A>G on transcript NM_000231.3 (MANE Select); coding-DNA position 434, A replaced by G.
Protein change: p.Asn145Ser; replaces asparagine 145 with serine.
Molecular consequence: missense variant.
Genome position (GRCh38, 1-based): chr13:23,279,407, A>G. VCF-style: chr13-23279407-A-G. GRCh37 (hg19) VCF-style: chr13-23853546-A-G.
Other names: c.488A>G, p.Asn163Ser (NM_001378244.1); c.434A>G, p.Asn145Ser (NM_001378245.1, NM_001378246.1); short protein forms N145S, N163S.
Identifiers: ClinVar variation 658686 (VCV000658686.8), dbSNP rs1451332880, ClinGen allele CA387504035.
Genomic context (GRCh38, chr13:23,279,407, plus strand): 5'-TTAATTCTTCAGGTCCCAAAATGGTAGAAGTCCAGAATCAACAGTTTCAGATCAACTCCA[A>G]CGACGGCAAGCCACTATTTACTGTAGATGAGAAGGAAGTTGTGGTTGGTACAGATAAACT-3'
Protein context (NP_000222.2, residues 135-155): VQNQQFQINS[Asn145Ser]DGKPLFTVDE

ClinVar aggregate classification (germline): Uncertain significance. Review status: criteria provided, multiple submitters, no conflicts (2 of 4 stars). 2 submissions from 2 submitters: Uncertain significance (2). Last evaluated 2021-09-01.

Conditions:
Autosomal recessive limb-girdle muscular dystrophy type 2C (LGMDR5). Also called: MUSCULAR DYSTROPHY, DUCHENNE-LIKE; MUSCULAR DYSTROPHY, LIMB-GIRDLE, AUTOSOMAL RECESSIVE 5. Identifiers: Orphanet 353, MedGen C0410173, MONDO:0009677, OMIM 253700. Disease mechanism: Affects gamma-sarcoglycan and also disrupts the integrity of the entire sarcoglycan complex..

Allele frequency attached by ClinVar (database versions not stated): gnomAD exomes below 0.00001; TOPMed 0.00002.
gnomAD v4.1: 11 of 1,613,474 alleles (0.00068%); highest among the groups gnomAD compares: African/African-American, 0.0013%; no homozygotes.

Submissions (2):

Labcorp Genetics (formerly Invitae), Labcorp
Classification: Uncertain significance for Autosomal recessive limb-girdle muscular dystrophy type 2C. Last evaluated: 2021-09-01. Review status: criteria provided, single submitter. Criteria: Invitae Variant Classification Sherloc (09022015). Collection method: clinical testing. Allele origin: germline.
Comment: This sequence change replaces asparagine with serine at codon 145 of the SGCG protein (p.Asn145Ser). The asparagine residue is weakly conserved and there is a small physicochemical difference between asparagine and serine. This variant is not present in population databases (ExAC no frequency). This variant has not been reported in the literature in individuals affected with SGCG-related conditions. Algorithms developed to predict the effect of missense changes on protein structure and function (SIFT, PolyPhen-2, Align-GVGD) all suggest that this variant is likely to be tolerated. In summary, the available evidence is currently insufficient to determine the role of this variant in disease. Therefore, it has been classified as a Variant of Uncertain Significance.

Revvity Omics, Revvity
Classification: Uncertain significance for Autosomal recessive limb-girdle muscular dystrophy type 2C. Last evaluated: 2020-11-07. Review status: criteria provided, single submitter. Criteria: ACMG Guidelines, 2015. Collection method: clinical testing. Allele origin: germline.